The following is an entry in ClinVar:

ClinVar aggregate classification (germline): Uncertain significance. Review status: criteria provided, multiple submitters, no conflicts (2 of 4 stars). 2 submissions from 2 submitters: Uncertain significance (2). Last evaluated 2022-12-16.

Conditions:
Hereditary cancer-predisposing syndrome. Also called: Tumor predisposition; Neoplastic Syndromes, Hereditary; Hereditary Cancer Syndrome; Hereditary neoplastic syndrome. Identifiers: Orphanet 140162, MedGen C0027672, MeSH D009386, MONDO:0015356.

Submissions (2):

Ambry Genetics
Classification: Uncertain significance for Hereditary cancer-predisposing syndrome. Last evaluated: 2022-12-16. Review status: criteria provided, single submitter. Criteria: Ambry Variant Classification Scheme 2023. Collection method: clinical testing. Allele origin: germline.
Comment: The p.I620V variant (also known as c.1858A>G), located in coding exon 11 of the SMARCA4 gene, results from an A to G substitution at nucleotide position 1858. The isoleucine at codon 620 is replaced by valine, an amino acid with highly similar properties. This amino acid position is well conserved in available vertebrate species. In addition, this alteration is predicted to be tolerated by in silico analysis. Missense and in-frame variants in SMARCA4 are known to cause neurodevelopmental disorders; however, such associations with rhabdoid tumor predisposition syndrome including small cell carcinoma of the ovary-hypercalcemic type (SCCOHT) are exceedingly rare (Kosho T et al. Am J Med Genet C Semin Med Genet. 2014 Sep;166C(3):262-75; Jelinic P et al. Nat Genet. 2014 May;46(5):424-6). Based on the supporting evidence, the association of this alteration with Coffin-Siris syndrome is unknown; however, the association of this alteration with rhabdoid tumor predisposition syndrome is unlikely.

GeneDx
Classification: Uncertain significance. Last evaluated: 2019-04-09. Review status: criteria provided, single submitter. Criteria: GeneDx Variant Classification Process June 2021. Collection method: clinical testing. Allele origin: germline. Affected: yes.
Comment: Not observed in large population cohorts (Lek et al., 2016); In silico analysis, which includes protein predictors and evolutionary conservation, supports that this variant does not alter protein structure/function; Has not been previously published as pathogenic or benign to our knowledge

NM_003072.5(SMARCA4):c.1858A>G (p.Ile620Val)

Gene: SMARCA4 (SWI/SNF related BAF chromatin remodeling complex subunit ATPase 4; plus strand). Cytogenetic location: 19p13.2.
Variant type: single nucleotide variant.
Coding change: c.1858A>G on transcript NM_003072.5 (MANE Select); coding-DNA position 1858, A replaced by G.
Protein change: p.Ile620Val; replaces isoleucine 620 with valine.
Molecular consequence: missense variant. On other transcripts: non-coding transcript variant (1).
Genome position (GRCh38, 1-based): chr19:11,003,074, A>G. VCF-style: chr19-11003074-A-G. GRCh37 (hg19) VCF-style: chr19-11113750-A-G.
Other names: c.1858A>G, p.Ile620Val (NM_001128844.3, NM_001128845.2, NM_001128846.2 and 5 more transcripts); short protein forms I620V.
Identifiers: ClinVar variation 1308599 (VCV001308599.5), dbSNP rs1600132784, ClinGen allele CA404051486.
Genomic context (GRCh38, chr19:11,003,074, plus strand): 5'-ATGACTCTTTTTCAGCCTCTGGACGAGACCAGCCAGATGAGCGACCTCCCGGTGAAGGTG[A>G]TCCACGTGGAGAGTGGGAAGATCCTCACAGGCACAGATGCCCCCAAAGCCGGGCAGCTGG-3'
Protein context (NP_003063.2, residues 610-630): SQMSDLPVKV[Ile620Val]HVESGKILTG